The following is an entry in ClinVar:

NM_001005273.3(CHD3):c.3357_3358delinsTC (p.Asp1120His)

Gene: CHD3 (chromodomain helicase DNA binding protein 3; plus strand). Cytogenetic location: 17p13.1.
Variant type: Indel.
Coding change: c.3357_3358delinsTC on transcript NM_001005273.3 (MANE Select); coding-DNA positions 3357 to 3358, CG replaced by TC.
Protein change: p.Asp1120His; replaces aspartic acid 1120 with histidine.
Molecular consequence: missense variant.
Genome position (GRCh38, 1-based): chr17:7,902,714-7,902,715, CG replaced by TC. VCF-style: chr17-7902714-CG-TC. GRCh37 (hg19) VCF-style: chr17-7806032-CG-TC.
Other names: c.3534_3535delinsTC, p.Asp1179His (NM_001005271.3); c.3357_3358delinsTC, p.Asp1120His (NM_005852.4); short protein forms D1120H, D1179H.
Identifiers: ClinVar variation 549735 (VCV000549735.2), dbSNP rs1567860075, ClinGen allele CA891843610.

ClinVar aggregate classification (germline): Likely pathogenic. Review status: criteria provided, single submitter (1 of 4 stars). 2 submissions from 2 submitters: Likely pathogenic (1). 1 of the submissions does not count toward it. Last evaluated 2019-02-19.

Conditions:
Snijders Blok-Campeau syndrome. Also called: INTELLECTUAL DEVELOPMENTAL DISORDER WITH MACROCEPHALY, SPEECH DELAY, AND DYSMORPHIC FACIES. Identifiers: Orphanet 599082, MedGen C4748701, MONDO:0032600, OMIM 618205.
Intellectual disability. Also called: Intellectual functioning disability; intellectual disabilities; Intellectual developmental disorder. Identifiers: MedGen C3714756, MeSH D008607, MONDO:0001071, HP:0001249.

Submissions (2):

SIB Swiss Institute of Bioinformatics
Classification: Likely pathogenic for Snijders Blok-Campeau syndrome. Last evaluated: 2019-02-19. Review status: criteria provided, single submitter. Criteria: ACMG Guidelines, 2015. Collection method: curation. Allele origin: unknown.
Comment: This variant is interpreted as a Likely pathogenic for Snijders Blok-Campeau syndrome, autosomal dominant. The following ACMG Tag(s) were applied: PM2 : Absent from controls (or at extremely low frequency if recessive) in Exome Sequencing Project, 1000 Genomes Project, or Exome Aggregation Consortium. PM6 : Assumed de novo, but without confirmation of paternity and maternity (PMID:30397230). PM1-supporting : PM1 downgraded in strength to Supporting. PP2 : Missense variant in a gene that has a low rate of benign missense variation and in which missense variants are a common mechanism of disease.

CHU Sainte-Justine Research Center, University of Montreal
Classification: Likely pathogenic for Intellectual disability. Last evaluated: 2018-05-03. Review status: no assertion criteria provided. Collection method: research. Allele origin: germline. Affected: yes. Not counted in ClinVar's aggregate classification.

Literature cited by the submitters: PubMed 30397230 (cited by SIB Swiss Institute of Bioinformatics).